The following is an entry in ClinVar:

NM_000101.4(CYBA):c.58+5G>C

Gene: CYBA (cytochrome b-245 alpha chain; minus strand). Cytogenetic location: 16q24.2.
Variant type: single nucleotide variant.
Coding change: c.58+5G>C on transcript NM_000101.4 (MANE Select); 5 bases into the intron after coding-DNA position 58, G replaced by C.
Molecular consequence: intron variant.
Genome position (GRCh38, 1-based): chr16:88,650,951, C>G on the plus strand (G>C on the coding strand, the complement: CYBA is on the minus strand). VCF-style: chr16-88650951-C-G. GRCh37 (hg19) VCF-style: chr16-88717359-C-G.
Identifiers: ClinVar variation 1525555 (VCV001525555.6), dbSNP rs1178334922, ClinGen allele CA624188252.

ClinVar aggregate classification (germline): Uncertain significance (1 of 4 stars; one submission).

Conditions:
Granulomatous disease, chronic, autosomal recessive, cytochrome b-negative. Also called: CGD DUE TO DEFICIENCY OF THE ALPHA SUBUNIT OF CYTOCHROME b; CGD, AUTOSOMAL RECESSIVE CYTOCHROME b-NEGATIVE; CYBA DEFICIENCY; GRANULOMATOUS DISEASE, CHRONIC, AUTOSOMAL RECESSIVE, 4; Chronic granulomatous disease, autosomal, due to deficiency of CYBA. Identifiers: Orphanet 379, MedGen C1856255, MONDO:0009308, OMIM 233690.

Allele frequency attached by ClinVar (database versions not stated): gnomAD exomes 0.00001 and below 0.00001.
gnomAD v4.1: 7 of 1,590,162 alleles (0.00044%); highest among the groups gnomAD compares: Non-Finnish European, 0.0006%; no homozygotes.

Submission:

Labcorp Genetics (formerly Invitae), Labcorp
Classification: Uncertain significance for Granulomatous disease, chronic, autosomal recessive, cytochrome b-negative. Last evaluated: 2022-01-27. Review status: criteria provided, single submitter. Criteria: Invitae Variant Classification Sherloc (09022015). Collection method: clinical testing. Allele origin: germline.
Comment: In summary, the available evidence is currently insufficient to determine the role of this variant in disease. Therefore, it has been classified as a Variant of Uncertain Significance. Variants that disrupt the consensus splice site are a relatively common cause of aberrant splicing (PMID: 17576681, 9536098). Algorithms developed to predict the effect of sequence changes on RNA splicing suggest that this variant may disrupt the consensus splice site. This variant has not been reported in the literature in individuals affected with CYBA-related conditions. This variant is present in population databases (no rsID available, gnomAD 0.001%). This sequence change falls in intron 1 of the CYBA gene. It does not directly change the encoded amino acid sequence of the CYBA protein. It affects a nucleotide within the consensus splice site.

Literature cited by the submitters: PubMed 17576681; PubMed 9536098.